The following is an entry in ClinVar:

NM_198428.3(BBS9):c.1574G>A (p.Cys525Tyr)

Gene: BBS9 (Bardet-Biedl syndrome 9; plus strand). Cytogenetic location: 7p14.3.
Variant type: single nucleotide variant.
Coding change: c.1574G>A on transcript NM_198428.3 (MANE Select); coding-DNA position 1574, G replaced by A.
Protein change: p.Cys525Tyr; replaces cysteine 525 with tyrosine.
Molecular consequence: missense variant. On other transcripts: non-coding transcript variant (3).
Genome position (GRCh38, 1-based): chr7:33,357,876, G>A. VCF-style: chr7-33357876-G-A. GRCh37 (hg19) VCF-style: chr7-33397488-G-A.
Other names: c.1469G>A, p.Cys490Tyr (NM_001033604.2); c.1559G>A, p.Cys520Tyr (NM_001033605.2); c.1574G>A, p.Cys525Tyr (NM_001348036.1, NM_001348041.4, NM_001348043.3 and 1 more transcripts); c.1208G>A, p.Cys403Tyr (NM_001348037.3, NM_001348045.3, NM_001348046.3); c.1301G>A, p.Cys434Tyr (NM_001348038.3); c.1196G>A, p.Cys399Tyr (NM_001348039.3); c.1454G>A, p.Cys485Tyr (NM_001348040.3, NM_014451.4); c.1439G>A, p.Cys480Tyr (NM_001348042.3); and 1 more; short protein forms C368Y, C403Y, C434Y, C525Y, C399Y, C485Y, C490Y, C520Y.
Identifiers: ClinVar variation 1394067 (VCV001394067.6), dbSNP rs746119144, ClinGen allele CA4214438.

ClinVar aggregate classification (germline): Uncertain significance (1 of 4 stars; one submission).

Conditions:
Bardet-Biedl syndrome (BBS). Identifiers: Orphanet 110, MedGen C0752166, MONDO:0015229.

Allele frequency attached by ClinVar (database versions not stated): gnomAD exomes below 0.00001 and 0.00001; TOPMed below 0.00001; ExAC 0.00003.
gnomAD v4.1: 3 of 1,611,870 alleles (0.00019%); highest among the groups gnomAD compares: Non-Finnish European, 0.00025%; no homozygotes.

Submission:

Labcorp Genetics (formerly Invitae), Labcorp
Classification: Uncertain significance for Bardet-Biedl syndrome. Last evaluated: 2024-06-03. Review status: criteria provided, single submitter. Criteria: Invitae Variant Classification Sherloc (09022015). Collection method: clinical testing. Allele origin: germline.
Comment: This sequence change replaces cysteine, which is neutral and slightly polar, with tyrosine, which is neutral and polar, at codon 525 of the BBS9 protein (p.Cys525Tyr). This variant is present in population databases (rs746119144, gnomAD 0.003%). This variant has not been reported in the literature in individuals affected with BBS9-related conditions. ClinVar contains an entry for this variant (Variation ID: 1394067). Advanced modeling of protein sequence and biophysical properties (such as structural, functional, and spatial information, amino acid conservation, physicochemical variation, residue mobility, and thermodynamic stability) has been performed at Invitae for this missense variant, however the output from this modeling did not meet the statistical confidence thresholds required to predict the impact of this variant on BBS9 protein function. In summary, the available evidence is currently insufficient to determine the role of this variant in disease. Therefore, it has been classified as a Variant of Uncertain Significance.